The following is an entry in ClinVar:

ClinVar aggregate classification (germline): Uncertain significance. Review status: criteria provided, multiple submitters, no conflicts (2 of 4 stars). 2 submissions from 2 submitters: Uncertain significance (2). Last evaluated 2026-05-24.

Conditions:
Hereditary cancer-predisposing syndrome. Also called: Hereditary neoplastic syndrome; Tumor predisposition; Hereditary Cancer Syndrome; Neoplastic Syndromes, Hereditary. Identifiers: Orphanet 140162, MedGen C0027672, MeSH D009386, MONDO:0015356.

Submissions (2):

Ambry Genetics
Classification: Uncertain significance for Hereditary cancer-predisposing syndrome. Last evaluated: 2026-05-24. Review status: criteria provided, single submitter. Criteria: Ambry Variant Classification Scheme 2023. Collection method: clinical testing. Allele origin: germline.
Comment: The p.D77N variant (also known as c.229G>A), located in coding exon 2 of the CTNNA1 gene, results from a G to A substitution at nucleotide position 229. The aspartic acid at codon 77 is replaced by asparagine, an amino acid with highly similar properties. This amino acid position is conserved. In addition, this alteration is predicted to be tolerated by in silico analysis. Based on the available evidence, the clinical significance of this variant remains unclear.

Labcorp Genetics (formerly Invitae), Labcorp
Classification: Uncertain significance. Last evaluated: 2024-06-25. Review status: criteria provided, single submitter. Criteria: Invitae Variant Classification Sherloc (09022015). Collection method: clinical testing. Allele origin: germline.
Comment: This sequence change replaces aspartic acid, which is acidic and polar, with asparagine, which is neutral and polar, at codon 77 of the CTNNA1 protein (p.Asp77Asn). This variant is not present in population databases (gnomAD no frequency). This variant has not been reported in the literature in individuals affected with CTNNA1-related conditions. Advanced modeling of protein sequence and biophysical properties (such as structural, functional, and spatial information, amino acid conservation, physicochemical variation, residue mobility, and thermodynamic stability) performed at Invitae indicates that this missense variant is not expected to disrupt CTNNA1 protein function with a negative predictive value of 80%. In summary, the available evidence is currently insufficient to determine the role of this variant in disease. Therefore, it has been classified as a Variant of Uncertain Significance.

NM_001903.5(CTNNA1):c.229G>A (p.Asp77Asn)

Gene: CTNNA1 (catenin alpha 1; plus strand). Cytogenetic location: 5q31.2.
Variant type: single nucleotide variant.
Coding change: c.229G>A on transcript NM_001903.5 (MANE Select); coding-DNA position 229, G replaced by A.
Protein change: p.Asp77Asn; replaces aspartic acid 77 with asparagine.
Molecular consequence: missense variant. On other transcripts: intron variant (2).
Genome position (GRCh38, 1-based): chr5:138,783,300, G>A. VCF-style: chr5-138783300-G-A. GRCh37 (hg19) VCF-style: chr5-138118989-G-A.
Other names: c.229G>A, p.Asp77Asn (NM_001290307.3, NM_001323982.2, NM_001323983.1 and 3 more transcripts); c.-6+28G>A (NM_001290310.3); c.-9+1271G>A (NM_001290309.3); c.229G>A (NM_001903.2); short protein forms D77N.
Identifiers: ClinVar variation 3657713 (VCV003657713.3).